The following is an entry in ClinVar:

NM_001561.6(TNFRSF9):c.730C>T (p.Arg244Ter)

Gene: TNFRSF9 (TNF receptor superfamily member 9; minus strand). Cytogenetic location: 1p36.23.
Variant type: single nucleotide variant.
Coding change: c.730C>T on transcript NM_001561.6 (MANE Select); coding-DNA position 730, C replaced by T.
Protein change: p.Arg244Ter; replaces arginine 244 with a stop codon.
Molecular consequence: nonsense.
Genome position (GRCh38, 1-based): chr1:7,920,873, G>A on the plus strand (C>T on the coding strand, the complement: TNFRSF9 is on the minus strand). VCF-style: chr1-7920873-G-A. GRCh37 (hg19) VCF-style: chr1-7980933-G-A.
Other names: short protein forms R244*.
Identifiers: ClinVar variation 1447990 (VCV001447990.9), dbSNP rs1280784319, ClinGen allele CA338150928.

ClinVar aggregate classification (germline): Uncertain significance. Review status: criteria provided, single submitter (1 of 4 stars). 2 submissions from 2 submitters: Uncertain significance (1). 1 of the submissions does not count toward it. Last evaluated 2022-10-17.

Conditions:
Immunodeficiency 109 with lymphoproliferation (IMD109). Identifiers: Orphanet 664726, MedGen C5830346, MONDO:0859526, OMIM 620282.

Allele frequency attached by ClinVar (database versions not stated): gnomAD exomes below 0.00001; TOPMed below 0.00001; gnomAD 0.00001.
gnomAD v4.1: 7 of 1,613,618 alleles (0.00043%); highest among the groups gnomAD compares: East Asian, 0.0022%; no homozygotes.

Submissions (2):

Labcorp Genetics (formerly Invitae), Labcorp
Classification: Uncertain significance. Last evaluated: 2022-10-17. Review status: criteria provided, single submitter. Criteria: Invitae Variant Classification Sherloc (09022015). Collection method: clinical testing. Allele origin: germline.
Comment: In summary, the available evidence is currently insufficient to determine the role of this variant in disease. Therefore, it has been classified as a Variant of Uncertain Significance. Experimental studies and prediction algorithms are not available or were not evaluated, and the functional significance of this variant is currently unknown. ClinVar contains an entry for this variant (Variation ID: 1447990). This variant has not been reported in the literature in individuals affected with TNFRSF9-related conditions. This variant is present in population databases (no rsID available, gnomAD no frequency). This sequence change creates a premature translational stop signal (p.Arg244*) in the TNFRSF9 gene. While this is not anticipated to result in nonsense mediated decay, it is expected to disrupt the last 12 amino acid(s) of the TNFRSF9 protein.

Pediatric Infectious Diseases and Immunodeficiencies Unit (UPIIP)- HUVH-VHIR, Vall d'Hebron University Hospital
Classification: Likely pathogenic for Immunodeficiency 109 with lymphoproliferation. Review status: no assertion criteria provided. Collection method: clinical testing. Allele origin: germline. Inheritance: Autosomal recessive inheritance. Affected: yes. Observed: 1 homozygote. Not counted in ClinVar's aggregate classification.
Comment: TNFRSF9 has previously been associated with immune dysregulation and persistent EBV infection (PMID: 31501153, 30872117, 31537641). The p.Arg244* variant is present at a very low allele frequency in the general population (MAF = 0.000004, gnomAD v4.1.0), it introduces a premature stop codon in exon 9, resulting in a truncated protein lacking the final 12 amino acids. This truncation eliminates the C-terminal TRAF-binding domain, which is essential for activation of the NF-κB signaling pathway, and is therefore predicted to result in a loss-of-function effect (PMID: 30232281).

Literature cited by the submitters: PubMed 30232281 (cited by Pediatric Infectious Diseases and Immunodeficiencies Unit (UPIIP)- HUVH-VHIR, Vall d'Hebron University Hospital).